The following is an entry in ClinVar:

NM_001242896.3(DEPDC5):c.1909C>T (p.Arg637Ter)

Gene: DEPDC5 (DEP domain containing 5, GATOR1 subcomplex subunit; plus strand). Cytogenetic location: 22q12.3.
Variant type: single nucleotide variant.
Coding change: c.1909C>T on transcript NM_001242896.3 (MANE Select); coding-DNA position 1909, C replaced by T.
Protein change: p.Arg637Ter; replaces arginine 637 with a stop codon.
Molecular consequence: nonsense. On other transcripts: non-coding transcript variant (4), intron variant (3).
Genome position (GRCh38, 1-based): chr22:31,821,540, C>T. VCF-style: chr22-31821540-C-T. GRCh37 (hg19) VCF-style: chr22-32217526-C-T.
Other names: c.1909C>T, p.Arg637Ter (NM_001136029.4, NM_001363852.2, NM_001364318.2 and 3 more transcripts); c.1825C>T, p.Arg609Ter (NM_001369901.1, NM_001369902.1); c.1870+2315C>T (NM_001363854.2, NM_001242897.2, NM_001364319.2); short protein forms R637*, R609*.
Identifiers: ClinVar variation 264735 (VCV000264735.20), dbSNP rs780960812, ClinGen allele CA10196496.

ClinVar aggregate classification (germline): Conflicting classifications of pathogenicity. Review status: criteria provided, conflicting classifications (1 of 4 stars). 8 submissions from 8 submitters: Pathogenic (4); Likely pathogenic (1); Uncertain significance (1). 2 of the submissions do not count toward it. Last evaluated 2025-03-04.

Conditions:
DEPDC5-related disorder. Also called: DEPDC5-related condition; DEPDC5-related related disorder.
Familial focal epilepsy with variable foci (FPEVF). Identifiers: Orphanet 98820, MedGen C1858477, MONDO:0020310.
Inborn genetic diseases. Identifiers: MedGen C0950123, MeSH D030342.
Epilepsy, familial focal, with variable foci 1 (FFEVF1). Also called: DEPDC5-Related Epilepsy. Identifiers: MedGen C4551983, MONDO:0024556, OMIM 604364.

Allele frequency attached by ClinVar (database versions not stated): gnomAD 0.00004 and 0.00003; TOPMed 0.00002; ExAC 0.00001; gnomAD exomes 0.00002.
gnomAD v4.1: 95 of 1,614,048 alleles (0.0059%); highest among the groups gnomAD compares: Non-Finnish European, 0.0075%; no homozygotes.

Submissions (8):

Center for Genomic Medicine, Rigshospitalet, Copenhagen University Hospital
Classification: Pathogenic. Last evaluated: 2025-03-04. Review status: criteria provided, single submitter. Criteria: ACMG Guidelines, 2015. Collection method: clinical testing. Allele origin: germline.

Labcorp Genetics (formerly Invitae), Labcorp
Classification: Pathogenic for Familial focal epilepsy with variable foci. Last evaluated: 2022-06-11. Review status: criteria provided, single submitter. Criteria: Invitae Variant Classification Sherloc (09022015). Collection method: clinical testing. Allele origin: germline.
Comment: This sequence change creates a premature translational stop signal (p.Arg637*) in the DEPDC5 gene. It is expected to result in an absent or disrupted protein product. Loss-of-function variants in DEPDC5 are known to be pathogenic (PMID: 23542697, 23542701). For these reasons, this variant has been classified as Pathogenic. ClinVar contains an entry for this variant (Variation ID: 264735). This premature translational stop signal has been observed in individual(s) with nocturnal frontal lobe epilepsy (PMID: 26505888). This variant is present in population databases (rs780960812, gnomAD 0.004%).

Ambry Genetics
Classification: Pathogenic for Inborn genetic diseases. Last evaluated: 2021-10-11. Review status: criteria provided, single submitter. Criteria: Ambry Variant Classification Scheme 2023. Collection method: clinical testing. Allele origin: germline.
Comment: The c.1909C>T (p.R637*) alteration, located in exon 23 (coding exon 22) of the DEPDC5 gene, consists of a C to T substitution at nucleotide position 1909. This changes the amino acid from an arginine (R) to a stop codon at amino acid position 637. This alteration is expected to result in loss of function by premature protein truncation or nonsense-mediated mRNA decay. This alteration has been reported in the heterozygous state in one individual with nocturnal frontal lobe epilepsy (Ricos, 2016). Based on the available evidence, this alteration is classified as pathogenic.

GeneDx
Classification: Uncertain significance. Last evaluated: 2021-10-08. Review status: criteria provided, single submitter. Criteria: GeneDx Variant Classification Process June 2021. Collection method: clinical testing. Allele origin: germline. Affected: yes.
Comment: Nonsense variant predicted to result in protein truncation or nonsense mediated decay in a gene for which loss-of-function is a known mechanism of disease; Reported in the heterozygous state in one individual with nocturnal frontal lobe epilepsy (Ricos et al., 2016); This variant is associated with the following publications: (PMID: 27683934, 30093711, 26505888)

Greenwood Genetic Center Diagnostic Laboratories, Greenwood Genetic Center
Classification: Likely pathogenic. Last evaluated: 2020-12-14. Review status: criteria provided, single submitter. Criteria: ACMG Guidelines, 2015. Collection method: clinical testing. Allele origin: germline. Affected: yes.
Comment: PVS1, PM2

Solve-RD Consortium
Classification: Pathogenic for Epilepsy, familial focal, with variable foci 1. Review status: criteria provided, single submitter. Criteria: ACMG Guidelines, 2015. Collection method: provider interpretation. Allele origin: germline. Inheritance: Autosomal dominant inheritance. Affected: yes. Study: Solve-RD DIFT-EpiCARE reanalysis.
Comment: PVS1, PS4

Variant identified during reanalysis of unsolved cases by the Solve-RD project. The Solve-RD project has received funding from the European Union’s Horizon 2020 research and innovation programme under grant agreement No 779257.

PreventionGenetics, part of Exact Sciences
Classification: Likely pathogenic for DEPDC5-related condition. Last evaluated: 2024-07-10. Review status: no assertion criteria provided. Collection method: clinical testing. Allele origin: germline. Not counted in ClinVar's aggregate classification.
Comment: The DEPDC5 c.1909C>T variant is predicted to result in premature protein termination (p.Arg637*). This variant has been reported in an individual with frontal lobe epilepsy (Ricos et al. 2016. PubMed ID: 26505888). This variant is reported in 0.0041% of alleles in individuals of African descent in gnomAD. This variant has been classified as pathogenic by multiple independent submitters to the ClinVar database. Nonsense variants in DEPDC5 are expected to be pathogenic and therefore we interpret c.1909C>T (p.Arg637*) as likely pathogenic.

GeneReviews
No classification provided. Condition: Epilepsy, familial focal, with variable foci 1. Review status: no classification provided. Collection method: literature only. Allele origin: germline. Affected: yes. Not counted in ClinVar's aggregate classification.

Literature cited by the submitters: PubMed 23542701 (cited by Center for Genomic Medicine, Rigshospitalet, Copenhagen University Hospital and Labcorp Genetics (formerly Invitae), Labcorp); PubMed 23542697 (cited by Center for Genomic Medicine, Rigshospitalet, Copenhagen University Hospital and Labcorp Genetics (formerly Invitae), Labcorp); PubMed 26505888 (cited by 4 submitters); PubMed 9851433 (cited by Center for Genomic Medicine, Rigshospitalet, Copenhagen University Hospital); NCBI Bookshelf NBK385626 (cited by GeneReviews).